The following is an entry in ClinVar:

ClinVar aggregate classification (germline): Uncertain significance (1 of 4 stars; one submission).

Conditions:
Cardiovascular phenotype. Identifiers: MedGen CN230736.

Allele frequency attached by ClinVar (database versions not stated): gnomAD 0.00001; TOPMed 0.00001.
gnomAD v4.1: 1 of 1,613,720 alleles (0.000062%); highest among the groups gnomAD compares: African/African-American, 0.0013%; no homozygotes.

Submission:

Ambry Genetics
Classification: Uncertain significance for Cardiovascular phenotype. Last evaluated: 2023-10-27. Review status: criteria provided, single submitter. Criteria: Ambry Variant Classification Scheme 2023. Collection method: clinical testing. Allele origin: germline.
Comment: The p.Q1383H variant (also known as c.4149G>C), located in coding exon 27 of the MYH6 gene, results from a G to C substitution at nucleotide position 4149. The glutamine at codon 1383 is replaced by histidine, an amino acid with highly similar properties. This amino acid position is conserved. In addition, the in silico prediction for this alteration is inconclusive. Since supporting evidence is limited at this time, the clinical significance of this alteration remains unclear.

NM_002471.4(MYH6):c.4149G>C (p.Gln1383His)

Gene: MYH6 (myosin heavy chain 6; minus strand). Cytogenetic location: 14q11.2.
Variant type: single nucleotide variant.
Coding change: c.4149G>C on transcript NM_002471.4 (MANE Select); coding-DNA position 4149, G replaced by C.
Protein change: p.Gln1383His; replaces glutamine 1383 with histidine.
Molecular consequence: missense variant.
Genome position (GRCh38, 1-based): chr14:23,388,885, C>G on the plus strand (G>C on the coding strand, the complement: MYH6 is on the minus strand). VCF-style: chr14-23388885-C-G. GRCh37 (hg19) VCF-style: chr14-23858094-C-G.
Other names: short protein forms Q1383H.
Identifiers: ClinVar variation 3222343 (VCV003222343.1), dbSNP rs1471592617, ClinGen allele CA389001449.